The following is an entry in ClinVar:

NM_201384.3(PLEC):c.3604C>T (p.Leu1202Phe)

Gene: PLEC (plectin; minus strand). Cytogenetic location: 8q24.3.
Variant type: single nucleotide variant.
Coding change: c.3604C>T on transcript NM_201384.3 (MANE Select); coding-DNA position 3604, C replaced by T.
Protein change: p.Leu1202Phe; replaces leucine 1202 with phenylalanine.
Molecular consequence: missense variant.
Genome position (GRCh38, 1-based): chr8:143,927,562, G>A on the plus strand (C>T on the coding strand, the complement: PLEC is on the minus strand). VCF-style: chr8-143927562-G-A. GRCh37 (hg19) VCF-style: chr8-145001730-G-A.
Other names: c.3685C>T, p.Leu1229Phe (NM_000445.5, NM_001410941.1); c.3562C>T, p.Leu1188Phe (NM_201378.4); c.3538C>T, p.Leu1180Phe (NM_201379.3); c.4015C>T, p.Leu1339Phe (NM_201380.4); c.3508C>T, p.Leu1170Phe (NM_201381.3); c.3604C>T, p.Leu1202Phe (NM_201382.4); c.3616C>T, p.Leu1206Phe (NM_201383.3); short protein forms L1170F, L1180F, L1188F, L1202F, L1206F, L1229F, L1339F.
Identifiers: ClinVar variation 3763646 (VCV003763646.2).
Genomic context (GRCh38, chr8:143,927,562, plus strand): 5'-AGGCGCCCAAGGGGTCTGCACTCTCGCGGTAGTAACGCAGCTGGCGGCCCAGTTGCTCGA[G>A]CTCGCGCTGCCGCACGTCGGTCTGGGCCAGCACAGCCTGCCAGCGCTCAAGCAACTGGGC-3'
Protein context (NP_958786.1, residues 1192-1212): LAQTDVRQRE[Leu1202Phe]EQLGRQLRYY

ClinVar aggregate classification (germline): Uncertain significance (1 of 4 stars; one submission).

Conditions:
Epidermolysis bullosa simplex with nail dystrophy (EBS5D). Identifiers: MedGen C4225309, MONDO:0014661, OMIM 616487.
Epidermolysis bullosa simplex, Ogna type (EBS5A). Also called: EPIDERMOLYSIS BULLOSA SIMPLEX 5A, OGNA TYPE; Pidermolysis bullosa simplex 5A, Ogna type. Identifiers: Orphanet 79401, MedGen C0432317, MONDO:0007555, OMIM 131950.
Autosomal recessive limb-girdle muscular dystrophy type 2Q (LGMDR17). Also called: MUSCULAR DYSTROPHY, LIMB-GIRDLE, AUTOSOMAL RECESSIVE 17. Identifiers: Orphanet 254361, MedGen C3150989, MONDO:0013390, OMIM 613723.
Epidermolysis bullosa simplex 5B, with muscular dystrophy (EBS5B). Also called: EPIDERMOLYSIS BULLOSA SIMPLEX AND LIMB-GIRDLE MUSCULAR DYSTROPHY; Epidermolysis bullosa simplex with muscular dystrophy. Identifiers: Orphanet 257, MedGen C2931072, MONDO:0009181, OMIM 226670.
Epidermolysis bullosa simplex 5C, with pyloric atresia (EBS5C). Also called: PLEC1-Related Epidermolysis Bullosa with Pyloric Atresia; PLEC-Related Epidermolysis Bullosa with Pyloric Atresia; Epidermolysis bullosa simplex with pyloric atresia. Identifiers: Orphanet 158684, MedGen C2677349, MONDO:0012807, OMIM 612138.

gnomAD v4.1: 1 of 1,593,098 alleles (0.000063%); highest among the groups gnomAD compares: Non-Finnish European, 0.000085%; no homozygotes.

Submission:

Labcorp Genetics (formerly Invitae), Labcorp
Classification: Uncertain significance for Autosomal recessive limb-girdle muscular dystrophy type 2Q; Epidermolysis bullosa simplex, Ogna type; Epidermolysis bullosa simplex with nail dystrophy; Epidermolysis bullosa simplex 5C, with pyloric atresia; Epidermolysis bullosa simplex 5B, with muscular dystrophy. Last evaluated: 2024-06-12. Review status: criteria provided, single submitter. Criteria: Invitae Variant Classification Sherloc (09022015). Collection method: clinical testing. Allele origin: germline.
Comment: This sequence change replaces leucine, which is neutral and non-polar, with phenylalanine, which is neutral and non-polar, at codon 1229 of the PLEC protein (p.Leu1229Phe). This variant is not present in population databases (gnomAD no frequency). This variant has not been reported in the literature in individuals affected with PLEC-related conditions. Advanced modeling of protein sequence and biophysical properties (such as structural, functional, and spatial information, amino acid conservation, physicochemical variation, residue mobility, and thermodynamic stability) performed at Invitae indicates that this missense variant is not expected to disrupt PLEC protein function with a negative predictive value of 80%. In summary, the available evidence is currently insufficient to determine the role of this variant in disease. Therefore, it has been classified as a Variant of Uncertain Significance.